The following is an entry in ClinVar:

ClinVar aggregate classification (germline): Uncertain significance. Review status: criteria provided, multiple submitters, no conflicts (2 of 4 stars). 2 submissions from 2 submitters: Uncertain significance (2). Last evaluated 2019-12-18.

Conditions:
Developmental and epileptic encephalopathy, 9 (DEE9). Also called: EPILEPSY, FEMALE-RESTRICTED, WITH MENTAL RETARDATION; JUBERG-HELLMAN SYNDROME; PCDH19-Related X-Linked Female-Limited Epilepsy with Mental Retardation; Early infantile epileptic encephalopathy 9. Identifiers: Orphanet 101039, Orphanet 2076, MedGen C1848137, MONDO:0010246, OMIM 300088. Disease mechanism: loss of function.

Submissions (2):

Labcorp Genetics (formerly Invitae), Labcorp
Classification: Uncertain significance for Early infantile epileptic encephalopathy 9. Last evaluated: 2019-12-18. Review status: criteria provided, single submitter. Criteria: Invitae Variant Classification Sherloc (09022015). Collection method: clinical testing. Allele origin: germline.
Comment: This sequence change replaces alanine with threonine at codon 68 of the PCDH19 protein (p.Ala68Thr). The alanine residue is moderately conserved and there is a small physicochemical difference between alanine and threonine. This variant is not present in population databases (ExAC no frequency). This variant has not been reported in the literature in individuals with PCDH19-related conditions. ClinVar contains an entry for this variant (Variation ID: 425512). Algorithms developed to predict the effect of missense changes on protein structure and function are either unavailable or do not agree on the potential impact of this missense change (SIFT: "Tolerated"; PolyPhen-2: "Probably Damaging"; Align-GVGD: "Class C0"). In summary, the available evidence is currently insufficient to determine the role of this variant in disease. Therefore, it has been classified as a Variant of Uncertain Significance.

CeGaT Center for Human Genetics Tuebingen
Classification: Uncertain significance. Last evaluated: 2016-11-01. Review status: criteria provided, single submitter. Criteria: CeGaT Center For Human Genetics Tuebingen Variant Classification Criteria Version 2. Collection method: clinical testing. Allele origin: germline. Affected: yes. Observed: 1 variant allele.

NM_001184880.2(PCDH19):c.202G>A (p.Ala68Thr)

Gene: PCDH19 (protocadherin 19; minus strand). Cytogenetic location: Xq22.1.
Variant type: single nucleotide variant.
Coding change: c.202G>A on transcript NM_001184880.2 (MANE Select); coding-DNA position 202, G replaced by A.
Protein change: p.Ala68Thr; replaces alanine 68 with threonine.
Molecular consequence: missense variant.
Genome position (GRCh38, 1-based): chrX:100,408,396, C>T on the plus strand (G>A on the coding strand, the complement: PCDH19 is on the minus strand). VCF-style: chrX-100408396-C-T. GRCh37 (hg19) VCF-style: chrX-99663394-C-T.
Other names: c.202G>A, p.Ala68Thr (NM_001105243.2, NM_020766.3); short protein forms A68T.
Identifiers: ClinVar variation 425512 (VCV000425512.44), dbSNP rs1064797379, ClinGen allele CA16621904.